The following is an entry in ClinVar:

ClinVar aggregate classification (germline): Uncertain significance (1 of 4 stars; one submission).

Conditions:
3-methylglutaconic aciduria with deafness, encephalopathy, and Leigh-like syndrome (MEGDEL). Also called: MEGDEL syndrome; 3-METHYLGLUTACONIC ACIDURIA, TYPE VI; SERAC1 Deficiency. Identifiers: Orphanet 352328, MedGen C4040739, MONDO:0013875, OMIM 614739.

Submission:

Labcorp Genetics (formerly Invitae), Labcorp
Classification: Uncertain significance for 3-methylglutaconic aciduria with deafness, encephalopathy, and Leigh-like syndrome. Last evaluated: 2023-11-27. Review status: criteria provided, single submitter. Criteria: Invitae Variant Classification Sherloc (09022015). Collection method: clinical testing. Allele origin: germline.
Comment: This sequence change replaces aspartic acid, which is acidic and polar, with glutamic acid, which is acidic and polar, at codon 143 of the SERAC1 protein (p.Asp143Glu). This variant is not present in population databases (gnomAD no frequency). This variant has not been reported in the literature in individuals affected with SERAC1-related conditions. ClinVar contains an entry for this variant (Variation ID: 2125035). Advanced modeling of protein sequence and biophysical properties (such as structural, functional, and spatial information, amino acid conservation, physicochemical variation, residue mobility, and thermodynamic stability) performed at Invitae indicates that this missense variant is not expected to disrupt SERAC1 protein function with a negative predictive value of 80%. In summary, the available evidence is currently insufficient to determine the role of this variant in disease. Therefore, it has been classified as a Variant of Uncertain Significance.

NM_032861.4(SERAC1):c.429T>A (p.Asp143Glu)

Gene: SERAC1 (serine active site containing 1; minus strand). Cytogenetic location: 6q25.3.
Variant type: single nucleotide variant.
Coding change: c.429T>A on transcript NM_032861.4 (MANE Select); coding-DNA position 429, T replaced by A.
Protein change: p.Asp143Glu; replaces aspartic acid 143 with glutamic acid.
Molecular consequence: missense variant. On other transcripts: non-coding transcript variant (1).
Genome position (GRCh38, 1-based): chr6:158,146,840, A>T on the plus strand (T>A on the coding strand, the complement: SERAC1 is on the minus strand). VCF-style: chr6-158146840-A-T. GRCh37 (hg19) VCF-style: chr6-158567872-A-T.
Other names: short protein forms D143E.
Identifiers: ClinVar variation 2125035 (VCV002125035.4), dbSNP rs2483582145, ClinGen allele CA366264662.